The following is an entry in ClinVar:

NM_022437.3(ABCG8):c.1534G>A (p.Gly512Arg)

Gene: ABCG8 (ATP binding cassette subfamily G member 8; plus strand). Cytogenetic location: 2p21.
Variant type: single nucleotide variant.
Coding change: c.1534G>A on transcript NM_022437.3 (MANE Select); coding-DNA position 1534, G replaced by A.
Protein change: p.Gly512Arg; replaces glycine 512 with arginine.
Molecular consequence: missense variant.
Genome position (GRCh38, 1-based): chr2:43,875,191, G>A. VCF-style: chr2-43875191-G-A. GRCh37 (hg19) VCF-style: chr2-44102330-G-A.
Other names: NC_000002.11:g.44102330G>A; c.1531G>A, p.Gly511Arg (NM_001357321.2); short protein forms G511R, G512R.
Identifiers: ClinVar variation 1774698 (VCV001774698.3), dbSNP rs376069170, ClinGen allele CA1637536.

ClinVar aggregate classification (germline): Uncertain significance (1 of 4 stars; one submission).

Conditions:
Cardiovascular phenotype. Identifiers: MedGen CN230736.

Allele frequency attached by ClinVar (database versions not stated): ExAC 0.00002; gnomAD 0.00003; ESP Exome Variant Server 0.00008.
gnomAD v4.1: 51 of 1,614,068 alleles (0.0032%); highest among the groups gnomAD compares: Admixed American, 0.013%; no homozygotes.

Submissions (2):

Ambry Genetics
Classification: Uncertain significance for Cardiovascular phenotype. Last evaluated: 2019-07-30. Review status: criteria provided, single submitter. Criteria: Ambry Variant Classification Scheme 2023. Collection method: clinical testing. Allele origin: germline.
Comment: The p.G512R variant (also known as c.1534G>A), located in coding exon 11 of the ABCG8 gene, results from a G to A substitution at nucleotide position 1534. The glycine at codon 512 is replaced by arginine, an amino acid with dissimilar properties. This alteration was detected in an individual with a clinical diagnosis of non FH-related hypercholesterolemia; however, a second alteration was not detected (Lamiquiz-Moneo I et al. J Clin Lipidol Oct;11:1432-1440.e4). Based on internal structural assessment, this alteration destabilizes the transmembrane domain. This amino acid position is well conserved in available vertebrate species. In addition, the in silico prediction for this alteration is inconclusive. Since supporting evidence is limited at this time, the clinical significance of this alteration remains unclear.

Dr. Peter K. Rogan Lab, Western University
No classification provided (evidence only). Condition: Pancreatic adenocarcinoma. Review status: no classification provided. Collection method: in vitro. Allele origin: not applicable. Functional consequence: retained intron. Not counted in ClinVar's aggregate classification.

Literature cited by the submitters: PubMed 29066094 (cited by Ambry Genetics).